The following is an entry in ClinVar:

NM_000059.4(BRCA2):c.6559C>T (p.Pro2187Ser)

Gene: BRCA2 (BRCA2 DNA repair associated; plus strand). Cytogenetic location: 13q13.1.
Variant type: single nucleotide variant.
Coding change: c.6559C>T on transcript NM_000059.4 (MANE Select); coding-DNA position 6559, C replaced by T.
Protein change: p.Pro2187Ser; replaces proline 2187 with serine.
Molecular consequence: missense variant.
Genome position (GRCh38, 1-based): chr13:32,340,914, C>T. VCF-style: chr13-32340914-C-T. GRCh37 (hg19) VCF-style: chr13-32915051-C-T.
Other names: short protein forms P2187S.
Identifiers: ClinVar variation 234614 (VCV000234614.18), dbSNP rs868216475, ClinGen allele CA10577480.

ClinVar aggregate classification (germline): Conflicting classifications of pathogenicity. Review status: criteria provided, conflicting classifications (1 of 4 stars). 7 submissions from 7 submitters: Uncertain significance (6); Likely benign (1). Last evaluated 2024-02-29.

Conditions:
Familial cancer of breast. Also called: hereditary breast carcinoma; BREAST CANCER, FAMILIAL; Hereditary breast cancer. Identifiers: Orphanet 227535, MedGen C0346153, MONDO:0016419, OMIM 114480. Disease mechanism: loss of function.
Breast-ovarian cancer, familial, susceptibility to, 2 (BROVCA2). Also called: BRCA2 Hereditary Breast and Ovarian Cancer. Identifiers: Orphanet 145, MedGen C2675520, MONDO:0012933, OMIM 612555. Disease mechanism: loss of function.
Wilms tumor 1 (WT1). Also called: Wilms tumor, somatic. Identifiers: Orphanet 654, MedGen CN033288, MONDO:0008679, OMIM 194070.
Pancreatic cancer, susceptibility to, 2. Identifiers: Orphanet 1333, MedGen C3150546, MONDO:0013235, OMIM 613347.
Glioma susceptibility 3 (GLM3). Also called: Glioblastoma 3. Identifiers: Orphanet 182067, Orphanet 360, MedGen C2751641, MONDO:0013093, OMIM 613029.
Familial prostate cancer. Also called: Hereditary Prostate Cancer. Identifiers: MedGen C2931456, MONDO:0700275, OMIM 176807.
Fanconi anemia complementation group D1. Also called: BRCA2-Related Fanconi Anemia. Identifiers: Orphanet 319462, MedGen C1838457, MONDO:0011584, OMIM 605724.
Medulloblastoma (MDB). Also called: Medulloblastoma, somatic; MEDULLOBLASTOMA PREDISPOSITION SYNDROME. Identifiers: Orphanet 616, MedGen C0025149, MeSH D008527, MONDO:0007959, OMIM 155255, HP:0002885.
Hereditary cancer-predisposing syndrome. Also called: Neoplastic Syndromes, Hereditary; Tumor predisposition; Hereditary neoplastic syndrome; Hereditary Cancer Syndrome. Identifiers: Orphanet 140162, MedGen C0027672, MeSH D009386, MONDO:0015356.
Hereditary breast ovarian cancer syndrome. Also called: Hereditary breast and ovarian cancer syndrome; Hereditary breast and ovarian cancer syndrome (HBOC); Breast and ovarian cancer; BRCA1- and BRCA2-Associated Hereditary Breast and Ovarian Cancer; Hereditary breast and/or ovarian cancer syndrome; Hereditary breast and ovarian cancer. Identifiers: Orphanet 145, MedGen C0677776, MeSH D061325, MONDO:0003582. Disease mechanism: loss of function.

Allele frequency attached by ClinVar (database versions not stated): gnomAD exomes below 0.00001; gnomAD 0.00001.

Submissions (7):

Fulgent Genetics
Classification: Uncertain significance for Familial cancer of breast; Medulloblastoma; Familial prostate cancer; Wilms tumor 1; Fanconi anemia complementation group D1; Breast-ovarian cancer, familial, susceptibility to, 2; Glioma susceptibility 3; Pancreatic cancer, susceptibility to, 2. Last evaluated: 2024-02-29. Review status: criteria provided, single submitter. Criteria: ACMG Guidelines, 2015. Collection method: clinical testing. Allele origin: germline.

Blueprint Genetics
Classification: Uncertain significance. Last evaluated: 2023-09-08. Review status: criteria provided, single submitter. Criteria: ACMG Guidelines, 2015. Collection method: clinical testing. Allele origin: germline.

University of Washington Department of Laboratory Medicine, University of Washington
Classification: Likely benign for Hereditary cancer-predisposing syndrome. Last evaluated: 2023-03-23. Review status: criteria provided, single submitter. Criteria: Dines et al. (Genet Med. 2020). Collection method: curation. Allele origin: germline.
Comment: Missense variant in a coldspot region where missense variants are very unlikely to be pathogenic (PMID:31911673).

BRCA2 exon 11 coldspot. Reclassification based on statistical prior probability.

GeneDx
Classification: Uncertain significance. Last evaluated: 2022-12-28. Review status: criteria provided, single submitter. Criteria: GeneDx Variant Classification Process June 2021. Collection method: clinical testing. Allele origin: germline. Affected: yes.
Comment: Not observed at significant frequency in large population cohorts (gnomAD); In silico analysis supports that this missense variant does not alter protein structure/function; Has not been previously published as pathogenic or benign to our knowledge; Also known as 6787C>T; This variant is associated with the following publications: (PMID: 32377563, 29884841, 31911673)

Ambry Genetics
Classification: Uncertain significance for Hereditary cancer-predisposing syndrome. Last evaluated: 2022-10-30. Review status: criteria provided, single submitter. Criteria: Ambry Variant Classification Scheme 2023. Collection method: clinical testing. Allele origin: germline.
Comment: The p.P2187S variant (also known as c.6559C>T), located in coding exon 10 of the BRCA2 gene, results from a C to T substitution at nucleotide position 6559. The proline at codon 2187 is replaced by serine, an amino acid with similar properties. This amino acid position is not well conserved in available vertebrate species. In addition, the in silico prediction for this alteration is inconclusive. Since supporting evidence is limited at this time, the clinical significance of this alteration remains unclear.

Labcorp Genetics (formerly Invitae), Labcorp
Classification: Uncertain significance for Hereditary breast ovarian cancer syndrome. Last evaluated: 2022-05-24. Review status: criteria provided, single submitter. Criteria: Invitae Variant Classification Sherloc (09022015). Collection method: clinical testing. Allele origin: germline.
Comment: This variant has not been reported in the literature in individuals affected with BRCA2-related conditions. This sequence change replaces proline, which is neutral and non-polar, with serine, which is neutral and polar, at codon 2187 of the BRCA2 protein (p.Pro2187Ser). This variant is present in population databases (no rsID available, gnomAD 0.002%). ClinVar contains an entry for this variant (Variation ID: 234614). Advanced modeling of protein sequence and biophysical properties (such as structural, functional, and spatial information, amino acid conservation, physicochemical variation, residue mobility, and thermodynamic stability) performed at Invitae indicates that this missense variant is not expected to disrupt BRCA2 protein function. In summary, the available evidence is currently insufficient to determine the role of this variant in disease. Therefore, it has been classified as a Variant of Uncertain Significance.

Color Diagnostics, LLC DBA Color Health
Classification: Uncertain significance for Hereditary cancer-predisposing syndrome. Last evaluated: 2019-06-01. Review status: criteria provided, single submitter. Criteria: ACMG Guidelines, 2015. Collection method: clinical testing. Allele origin: germline.